The following is an entry in ClinVar:

NM_033380.3(COL4A5):c.2984T>C (p.Leu995Pro)

Gene: COL4A5 (collagen type IV alpha 5 chain; plus strand). Cytogenetic location: Xq22.3.
Variant type: single nucleotide variant.
Coding change: c.2984T>C on transcript NM_033380.3 (MANE Select); coding-DNA position 2984, T replaced by C.
Protein change: p.Leu995Pro; replaces leucine 995 with proline.
Molecular consequence: missense variant.
Genome position (GRCh38, 1-based): chrX:108,624,302, T>C. VCF-style: chrX-108624302-T-C. GRCh37 (hg19) VCF-style: chrX-107867532-T-C.
Other names: c.2984T>C, p.Leu995Pro (NM_000495.5); short protein forms L995P.
Identifiers: ClinVar variation 2800027 (VCV002800027.3), dbSNP rs2524414462, ClinGen allele CA413853518.

ClinVar aggregate classification (germline): Uncertain significance (1 of 4 stars; one submission).

Submission:

Labcorp Genetics (formerly Invitae), Labcorp
Classification: Uncertain significance. Last evaluated: 2023-04-24. Review status: criteria provided, single submitter. Criteria: Invitae Variant Classification Sherloc (09022015). Collection method: clinical testing. Allele origin: germline.
Comment: This sequence change replaces leucine, which is neutral and non-polar, with proline, which is neutral and non-polar, at codon 995 of the COL4A5 protein (p.Leu995Pro). This variant is not present in population databases (gnomAD no frequency). This variant has not been reported in the literature in individuals affected with COL4A5-related conditions. Advanced modeling of protein sequence and biophysical properties (such as structural, functional, and spatial information, amino acid conservation, physicochemical variation, residue mobility, and thermodynamic stability) performed at Invitae indicates that this missense variant is not expected to disrupt COL4A5 protein function. In summary, the available evidence is currently insufficient to determine the role of this variant in disease. Therefore, it has been classified as a Variant of Uncertain Significance.